The following is an entry in ClinVar:

ClinVar aggregate classification (germline): Uncertain significance (1 of 4 stars; one submission).

Conditions:
Alpha thalassemia-X-linked intellectual disability syndrome (ATRX). Also called: ALPHA-THALASSEMIA/MENTAL RETARDATION SYNDROME, X-LINKED; ATR, NONDELETION TYPE; ATR-X syndrome; Alpha thalassemia mental retardation syndrome, nondeletion type, X-linked; XLMR hypotonic face syndrome; X-linked alpha-thalassemia-mental retardation syndrome. Identifiers: Orphanet 847, MedGen C1845055, MONDO:0010519, OMIM 301040.

Allele frequency attached by ClinVar (database versions not stated): gnomAD exomes below 0.00001.
gnomAD v4.1: 1 of 1,209,879 alleles (0.000083%); highest among the groups gnomAD compares: South Asian, 0.0018%; no homozygotes.

Submission:

Labcorp Genetics (formerly Invitae), Labcorp
Classification: Uncertain significance for Alpha thalassemia-X-linked intellectual disability syndrome. Last evaluated: 2023-02-25. Review status: criteria provided, single submitter. Criteria: Invitae Variant Classification Sherloc (09022015). Collection method: clinical testing. Allele origin: germline.
Comment: Advanced modeling of protein sequence and biophysical properties (such as structural, functional, and spatial information, amino acid conservation, physicochemical variation, residue mobility, and thermodynamic stability) performed at Invitae indicates that this missense variant is not expected to disrupt ATRX protein function. This variant has not been reported in the literature in individuals affected with ATRX-related conditions. This variant is not present in population databases (gnomAD no frequency). This sequence change replaces leucine, which is neutral and non-polar, with phenylalanine, which is neutral and non-polar, at codon 1097 of the ATRX protein (p.Leu1097Phe). In summary, the available evidence is currently insufficient to determine the role of this variant in disease. Therefore, it has been classified as a Variant of Uncertain Significance.

NM_000489.6(ATRX):c.3289C>T (p.Leu1097Phe)

Gene: ATRX (ATRX chromatin remodeler; minus strand). Cytogenetic location: Xq21.1.
Variant type: single nucleotide variant.
Coding change: c.3289C>T on transcript NM_000489.6 (MANE Select); coding-DNA position 3289, C replaced by T.
Protein change: p.Leu1097Phe; replaces leucine 1097 with phenylalanine.
Molecular consequence: missense variant.
Genome position (GRCh38, 1-based): chrX:77,681,967, G>A on the plus strand (C>T on the coding strand, the complement: ATRX is on the minus strand). VCF-style: chrX-77681967-G-A. GRCh37 (hg19) VCF-style: chrX-76937459-G-A.
Other names: c.3175C>T, p.Leu1059Phe (NM_138270.5); short protein forms L1059F, L1097F.
Identifiers: ClinVar variation 2802207 (VCV002802207.3), dbSNP rs2148577012, ClinGen allele CA413706926.